The following is an entry in ClinVar:

ClinVar aggregate classification (germline): Likely benign (0 of 4 stars; one submission).

Conditions:
MYOM2-related disorder. Also called: MYOM2-related condition.

Allele frequency attached by ClinVar (database versions not stated): gnomAD exomes 0.00032; ExAC 0.00088; ESP Exome Variant Server 0.00215; gnomAD 0.00238; TOPMed 0.00271; 1000 Genomes Project 0.00399; 1000 Genomes Project 30x 0.00406.
gnomAD v4.1: 841 of 1,614,100 alleles (0.052%); highest among the groups gnomAD compares: African/African-American, 0.79%; 4 homozygotes.

Submission:

PreventionGenetics, part of Exact Sciences
Classification: Likely benign for MYOM2-related condition. Last evaluated: 2019-04-12. Review status: no assertion criteria provided. Collection method: clinical testing. Allele origin: germline.
Comment: This variant is classified as likely benign based on ACMG/AMP sequence variant interpretation guidelines (Richards et al. 2015 PMID: 25741868, with internal and published modifications).

NM_003970.4(MYOM2):c.3900A>G (p.Lys1300=)

Gene: MYOM2 (myomesin 2; plus strand). Cytogenetic location: 8p23.3.
Variant type: single nucleotide variant.
Coding change: c.3900A>G on transcript NM_003970.4 (MANE Select); coding-DNA position 3900, A replaced by G.
Protein change: p.Lys1300=; no amino-acid change (lysine 1300 retained).
Molecular consequence: synonymous variant.
Genome position (GRCh38, 1-based): chr8:2,140,822, A>G. VCF-style: chr8-2140822-A-G. GRCh37 (hg19) VCF-style: chr8-2088745-A-G.
Identifiers: ClinVar variation 3050063 (VCV003050063.2), dbSNP rs142788097, ClinGen allele CA170466436.